The following is an entry in ClinVar:

ClinVar aggregate classification (germline): Conflicting classifications of pathogenicity. Review status: criteria provided, conflicting classifications (1 of 4 stars). 7 submissions from 7 submitters: Uncertain significance (3); Benign (1); Likely benign (1). 2 of the submissions do not count toward it. Last evaluated 2026-02-01.

Conditions:
RMRP-related disorder. Also called: RMRP-related condition.
Anauxetic dysplasia. Identifiers: Orphanet 93347, MedGen C1846796, MONDO:0011773.
Metaphyseal chondrodysplasia, McKusick type (CHH). Also called: Cartilage-hair hypoplasia; Cartilage-Hair Hypoplasia (CHH). Identifiers: Orphanet 175, MedGen C0220748, MONDO:0009595, OMIM 250250.

Allele frequency attached by ClinVar (database versions not stated): 1000 Genomes Project 0.00120; TOPMed 0.00189; ExAC 0.00012; gnomAD exomes 0.00058.

Submissions (7):

Labcorp Genetics (formerly Invitae), Labcorp
Classification: Benign for Anauxetic dysplasia. Last evaluated: 2026-02-01. Review status: criteria provided, single submitter. Criteria: Invitae Variant Classification Sherloc (09022015). Collection method: clinical testing. Allele origin: germline.

GeneDx
Classification: Uncertain significance. Last evaluated: 2025-05-02. Review status: criteria provided, single submitter. Criteria: GeneDx Variant Classification Process June 2021. Collection method: clinical testing. Allele origin: germline. Affected: yes.
Comment: Located in the promoter region of the RMRP gene; Located in a region that tolerates variation and lacks pathogenic variants; Also known as n.-12A>C or n.-13A>C; This variant is associated with the following publications: (PMID: 17489853, 26279652)

Blueprint Genetics
Classification: Likely benign. Last evaluated: 2024-11-04. Review status: criteria provided, single submitter. Criteria: ACMG Guidelines, 2015. Collection method: clinical testing. Allele origin: germline.

ARUP Laboratories, Molecular Genetics and Genomics, ARUP Laboratories
Classification: Uncertain significance. Last evaluated: 2019-11-07. Review status: criteria provided, single submitter. Criteria: ARUP Molecular Germline Variant Investigation Process. Collection method: clinical testing. Allele origin: germline.

Women's Health and Genetics/Laboratory Corporation of America, LabCorp
Classification: Uncertain significance. Last evaluated: 2019-03-13. Review status: criteria provided, single submitter. Criteria: LabCorp Variant Classification Summary - May 2015. Collection method: clinical testing. Allele origin: germline.
Comment: Variant summary: The RMRP variant, n.-12A>C is located in the promoter region and is also referred to as n.-13A>C. Duplications in this region have been classified as pathogenic, although single nucleotide changes have not commonly been classified in this region to be pathogenic. The variant allele was found at a frequency of 0.00067 in 150636 control chromosomes (gnomAD). This frequency is not significantly higher than expected for a pathogenic variant in RMRP causing Cartilage-Hair Hypoplasia (0.00067 vs 0.0072), allowing no conclusion about variant significance. n.-12A>C has been reported in the literature in an individual affected with Cartilage-Hair Hypoplasia, which authors indicate the cause for disease was g.97G>A and g.27G>C. Therefore, this variant was in cis with g.27G>C and assumed to be nonpathogenic by the authors (Cherkaoui Jaouad_2015). To our knowledge, no experimental evidence demonstrating an impact on protein function has been reported. A ClinVar submission from a clinical diagnostic laboratory (evaluation after 2014) cites the variant as likely benign. Based on the evidence outlined above, the variant was classified as VUS - possibly benign.

PreventionGenetics, part of Exact Sciences
Classification: Likely benign for RMRP-related condition. Last evaluated: 2022-02-28. Review status: no assertion criteria provided. Collection method: clinical testing. Allele origin: germline. Not counted in ClinVar's aggregate classification.
Comment: This variant is classified as likely benign based on ACMG/AMP sequence variant interpretation guidelines (Richards et al. 2015 PMID: 25741868, with internal and published modifications).

Counsyl
Classification: Likely benign for Metaphyseal chondrodysplasia, McKusick type. Last evaluated: 2017-03-22. Review status: no assertion criteria provided. Collection method: clinical testing. Allele origin: unknown. Not counted in ClinVar's aggregate classification.

Literature cited by the submitters: PubMed 17489853 (cited by Women's Health and Genetics/Laboratory Corporation of America, LabCorp and Counsyl); PubMed 26279652 (cited by Women's Health and Genetics/Laboratory Corporation of America, LabCorp and Counsyl).

NC_000009.12:g.35658030T>G

Gene: RMRP (RNA component of mitochondrial RNA processing endoribonuclease; minus strand). Cytogenetic location: 9p13.3.
Variant type: single nucleotide variant.
Genome position: GRCh38 VCF-style: chr9-35658030-T-G. GRCh37 (hg19) VCF-style: chr9-35658027-T-G.
Identifiers: ClinVar variation 550921 (VCV000550921.24), dbSNP rs372044910, ClinGen allele CA5045888.